The following is an entry in ClinVar:

ClinVar aggregate classification (germline): Uncertain significance. Review status: criteria provided, multiple submitters, no conflicts (2 of 4 stars). 3 submissions from 3 submitters: Uncertain significance (3). Last evaluated 2023-05-02.

Conditions:
Hereditary cancer-predisposing syndrome. Also called: Hereditary Cancer Syndrome; Hereditary neoplastic syndrome; Neoplastic Syndromes, Hereditary; Tumor predisposition. Identifiers: Orphanet 140162, MedGen C0027672, MeSH D009386, MONDO:0015356.
Familial cancer of breast. Also called: BREAST CANCER, FAMILIAL; Hereditary breast cancer; hereditary breast carcinoma. Identifiers: Orphanet 227535, MedGen C0346153, MONDO:0016419, OMIM 114480. Disease mechanism: loss of function.

Allele frequency attached by ClinVar (database versions not stated): TOPMed below 0.00001.

Submissions (3):

Baylor Genetics
Classification: Uncertain significance for Familial cancer of breast. Last evaluated: 2023-05-02. Review status: criteria provided, single submitter. Criteria: ACMG Guidelines, 2015. Collection method: clinical testing. Allele origin: unknown.

Ambry Genetics
Classification: Uncertain significance for Hereditary cancer-predisposing syndrome. Last evaluated: 2020-02-19. Review status: criteria provided, single submitter. Criteria: Ambry Variant Classification Scheme 2023. Collection method: clinical testing. Allele origin: germline.
Comment: The p.S602I variant (also known as c.1805G>T), located in coding exon 8 of the BARD1 gene, results from a G to T substitution at nucleotide position 1805. The serine at codon 602 is replaced by isoleucine, an amino acid with dissimilar properties. This amino acid position is not well conserved in available vertebrate species. In addition, this alteration is predicted to be tolerated by in silico analysis. Since supporting evidence is limited at this time, the clinical significance of this alteration remains unclear.

Labcorp Genetics (formerly Invitae), Labcorp
Classification: Uncertain significance for Familial cancer of breast. Last evaluated: 2019-05-22. Review status: criteria provided, single submitter. Criteria: Invitae Variant Classification Sherloc (09022015). Collection method: clinical testing. Allele origin: germline.
Comment: In summary, the available evidence is currently insufficient to determine the role of this variant in disease. Therefore, it has been classified as a Variant of Uncertain Significance. Algorithms developed to predict the effect of missense changes on protein structure and function are either unavailable or do not agree on the potential impact of this missense change (SIFT: "Deleterious"; PolyPhen-2: "Possibly Damaging"; Align-GVGD: "Class C0"). This variant has not been reported in the literature in individuals with BARD1-related disease. ClinVar contains an entry for this variant (Variation ID: 406741). This variant is not present in population databases (ExAC no frequency). This sequence change replaces serine with isoleucine at codon 602 of the BARD1 protein (p.Ser602Ile). The serine residue is moderately conserved and there is a large physicochemical difference between serine and isoleucine.

NM_000465.4(BARD1):c.1805G>T (p.Ser602Ile)

Gene: BARD1 (BRCA1 associated RING domain 1; minus strand). Cytogenetic location: 2q35.
Variant type: single nucleotide variant.
Coding change: c.1805G>T on transcript NM_000465.4 (MANE Select); coding-DNA position 1805, G replaced by T.
Protein change: p.Ser602Ile; replaces serine 602 with isoleucine.
Molecular consequence: missense variant. On other transcripts: non-coding transcript variant (3), intron variant (1).
Genome position (GRCh38, 1-based): chr2:214,745,727, C>A on the plus strand (G>T on the coding strand, the complement: BARD1 is on the minus strand). VCF-style: chr2-214745727-C-A. GRCh37 (hg19) VCF-style: chr2-215610451-C-A.
Other names: c.1748G>T, p.Ser583Ile (NM_001282543.2); c.452G>T, p.Ser151Ile (NM_001282545.2); c.395G>T, p.Ser132Ile (NM_001282548.2); c.365-15219G>T (NM_001282549.2); short protein forms S602I, S583I, S151I, S132I.
Identifiers: ClinVar variation 406741 (VCV000406741.16), dbSNP rs761883180, ClinGen allele CA16610685.